The following is an entry in ClinVar:

NM_005535.3(IL12RB1):c.581-74A>G

Gene: IL12RB1 (interleukin 12 receptor subunit beta 1; minus strand). Cytogenetic location: 19p13.11.
Variant type: single nucleotide variant.
Coding change: c.581-74A>G on transcript NM_005535.3 (MANE Select); 74 bases into the intron before coding-DNA position 581, A replaced by G.
Molecular consequence: intron variant.
Genome position (GRCh38, 1-based): chr19:18,075,942, T>C on the plus strand (A>G on the coding strand, the complement: IL12RB1 is on the minus strand). VCF-style: chr19-18075942-T-C. GRCh37 (hg19) VCF-style: chr19-18186752-T-C.
Other names: c.701-74A>G (NM_001290024.2, NM_001440427.1, NM_001440426.1); c.581-74A>G (NM_001290023.2, NM_001440425.1, NM_001440424.1 and 1 more transcripts).
Identifiers: ClinVar variation 2688447 (VCV002688447.2), dbSNP rs429774, ClinGen allele CA14637924.
Genomic context (GRCh38, chr19:18,075,942, plus strand): 5'-GGTCGAACATCAGGCCGTAAGAATTGTCCAGGACTTGGCACCAGTCACTTAACCATCATG[T>C]GCTTATTGAGCTCCAACTGTGTACAGAGCCACGTGCTGGGTCCTGGGGGCTCAGCAGAAG-3'

ClinVar aggregate classification (germline): Benign (1 of 4 stars; one submission).

Allele frequency attached by ClinVar (database versions not stated): gnomAD exomes 0.30617; 1000 Genomes Project 30x 0.24938; 1000 Genomes Project 0.25260; TOPMed 0.26371; gnomAD 0.27699.
gnomAD v4.1: 438,726 of 1,448,160 alleles (30%); highest among the groups gnomAD compares: East Asian, 38%; 68,585 homozygotes.

Submission:

Unidad de Genómica Garrahan, Hospital de Pediatría Garrahan
Classification: Benign. Last evaluated: 2024-01-24. Review status: criteria provided, single submitter. Criteria: ACMG Guidelines, 2015. Collection method: clinical testing. Allele origin: germline. Affected: no. Observed: 32 variant alleles.
Comment: This variant is classified as Benign based on local population frequency. This variant was detected in 36% of patients studied by a panel of primary immunodeficiencies. Number of patients: 32. Only high quality variants are reported.